The following is an entry in ClinVar:

NM_182914.3(SYNE2):c.9037G>A (p.Asp3013Asn)

Gene: SYNE2 (spectrin repeat containing nuclear envelope protein 2; plus strand). Cytogenetic location: 14q23.2.
Variant type: single nucleotide variant.
Coding change: c.9037G>A on transcript NM_182914.3 (MANE Select); coding-DNA position 9037, G replaced by A.
Protein change: p.Asp3013Asn; replaces aspartic acid 3013 with asparagine.
Molecular consequence: missense variant.
Genome position (GRCh38, 1-based): chr14:64,052,950, G>A. VCF-style: chr14-64052950-G-A. GRCh37 (hg19) VCF-style: chr14-64519668-G-A.
Other names: c.9037G>A, p.Asp3013Asn (NM_015180.6); short protein forms D3013N.
Identifiers: ClinVar variation 1717094 (VCV001717094.5), dbSNP rs781187796, ClinGen allele CA389974326.

ClinVar aggregate classification (germline): Uncertain significance (1 of 4 stars; one submission).

Conditions:
Emery-Dreifuss muscular dystrophy 5, autosomal dominant (EDMD5). Also called: EMERY-DREIFUSS MUSCULAR DYSTROPHY 5. Identifiers: Orphanet 261, MedGen C2751805, MONDO:0013072, OMIM 612999.

Allele frequency attached by ClinVar (database versions not stated): gnomAD 0.00001; 1000 Genomes Project 30x 0.00016.
gnomAD v4.1: 2 of 1,610,588 alleles (0.00012%); highest among the groups gnomAD compares: East Asian, 0.0022%; no homozygotes.

Submission:

Labcorp Genetics (formerly Invitae), Labcorp
Classification: Uncertain significance for Emery-Dreifuss muscular dystrophy 5, autosomal dominant. Last evaluated: 2024-04-17. Review status: criteria provided, single submitter. Criteria: Invitae Variant Classification Sherloc (09022015). Collection method: clinical testing. Allele origin: germline.
Comment: This sequence change replaces aspartic acid, which is acidic and polar, with asparagine, which is neutral and polar, at codon 3013 of the SYNE2 protein (p.Asp3013Asn). This variant is not present in population databases (gnomAD no frequency). This variant has not been reported in the literature in individuals affected with SYNE2-related conditions. ClinVar contains an entry for this variant (Variation ID: 1717094). An algorithm developed to predict the effect of missense changes on protein structure and function (PolyPhen-2) suggests that this variant is likely to be disruptive. In summary, the available evidence is currently insufficient to determine the role of this variant in disease. Therefore, it has been classified as a Variant of Uncertain Significance.